The following is an entry in ClinVar:

ClinVar aggregate classification (germline): Conflicting classifications of pathogenicity. Review status: criteria provided, conflicting classifications (1 of 4 stars). 3 submissions from 3 submitters: Uncertain significance (1); Likely benign (2). Last evaluated 2025-12-30.

Conditions:
TUFM-related disorder. Also called: TUFM-related condition.

Allele frequency attached by ClinVar (database versions not stated): gnomAD 0.00009; gnomAD exomes 0.00010 and 0.00020; TOPMed 0.00016; ExAC 0.00020; ESP Exome Variant Server 0.00038.
gnomAD v4.1: 157 of 1,614,048 alleles (0.0097%); highest among the groups gnomAD compares: Middle Eastern, 0.082%; 1 homozygote.

Submissions (3):

PreventionGenetics, part of Exact Sciences
Classification: Likely benign for TUFM-related condition. Last evaluated: 2025-12-30. Review status: criteria provided, single submitter. Criteria: ACMG Guidelines, 2015. Collection method: clinical testing. Allele origin: germline.
Comment: This variant is classified as likely benign based on ACMG/AMP sequence variant interpretation guidelines (Richards et al. 2015 PMID: 25741868, with internal and published modifications).

Labcorp Genetics (formerly Invitae), Labcorp
Classification: Uncertain significance. Last evaluated: 2022-08-16. Review status: criteria provided, single submitter. Criteria: Invitae Variant Classification Sherloc (09022015). Collection method: clinical testing. Allele origin: germline.
Comment: This sequence change falls in intron 9 of the TUFM gene. It does not directly change the encoded amino acid sequence of the TUFM protein. It affects a nucleotide within the consensus splice site. This variant is present in population databases (rs376169369, gnomAD 0.05%). This variant has not been reported in the literature in individuals affected with TUFM-related conditions. ClinVar contains an entry for this variant (Variation ID: 318743). Variants that disrupt the consensus splice site are a relatively common cause of aberrant splicing (PMID: 17576681, 9536098). Algorithms developed to predict the effect of sequence changes on RNA splicing suggest that this variant may create or strengthen a splice site. In summary, the available evidence is currently insufficient to determine the role of this variant in disease. Therefore, it has been classified as a Variant of Uncertain Significance.

GeneDx
Classification: Likely benign. Last evaluated: 2019-02-11. Review status: criteria provided, single submitter. Criteria: GeneDx Variant Classification Process June 2021. Collection method: clinical testing. Allele origin: germline. Affected: yes.

Literature cited by the submitters: PubMed 17576681 (cited by Labcorp Genetics (formerly Invitae), Labcorp); PubMed 9536098 (cited by Labcorp Genetics (formerly Invitae), Labcorp).

NM_003321.5(TUFM):c.1195-3T>C

Gene: TUFM (Tu translation elongation factor, mitochondrial; minus strand). Cytogenetic location: 16p11.2.
Variant type: single nucleotide variant.
Coding change: c.1195-3T>C on transcript NM_003321.5 (MANE Select); 3 bases into the intron before coding-DNA position 1195, T replaced by C.
Molecular consequence: intron variant.
Genome position (GRCh38, 1-based): chr16:28,843,151, A>G on the plus strand (T>C on the coding strand, the complement: TUFM is on the minus strand). VCF-style: chr16-28843151-A-G. GRCh37 (hg19) VCF-style: chr16-28854472-A-G.
Other names: c.1111-3T>C (NM_001365360.2).
Identifiers: ClinVar variation 318743 (VCV000318743.10), dbSNP rs376169369, ClinGen allele CA7985372.